The following is an entry in ClinVar:

NM_153766.3(KCNJ1):c.6C>A (p.Phe2Leu)

Gene: KCNJ1 (potassium inwardly rectifying channel subfamily J member 1; minus strand). Cytogenetic location: 11q24.3.
Variant type: single nucleotide variant.
Coding change: c.6C>A on transcript NM_153766.3 (MANE Select); coding-DNA position 6, C replaced by A.
Protein change: p.Phe2Leu; replaces phenylalanine 2 with leucine.
Molecular consequence: missense variant.
Genome position (GRCh38, 1-based): chr11:128,840,238, G>T on the plus strand (C>A on the coding strand, the complement: KCNJ1 is on the minus strand). VCF-style: chr11-128840238-G-T. GRCh37 (hg19) VCF-style: chr11-128710133-G-T.
Other names: c.63C>A, p.Phe21Leu (NM_000220.6); c.6C>A, p.Phe2Leu (NM_153764.3, NM_153767.4); c.57C>A, p.Phe19Leu (NM_153765.3); short protein forms F19L, F21L, F2L.
Identifiers: ClinVar variation 1704925 (VCV001704925.2), dbSNP rs2497574271, ClinGen allele CA383248242.
Genomic context (GRCh38, chr11:128,840,238, plus strand): 5'-CCTTGCTCTTTGCCGAGAATGCCCAAAAAAGCGAGTGACGACCCATTTCCGAAGATGTTT[G>T]AACATACTTTCTGTCAACACCCTGATCTGAAAACACATCAAAGAAAAACAAAAAAGGATT-3'
Protein context (NP_722450.1, residues 1-12): M[Phe2Leu]KHLRKWVVTR

ClinVar aggregate classification (germline): Uncertain significance (1 of 4 stars; one submission).

Submission:

GeneDx
Classification: Uncertain significance. Last evaluated: 2022-03-11. Review status: criteria provided, single submitter. Criteria: GeneDx Variant Classification Process June 2021. Collection method: clinical testing. Allele origin: germline. Affected: yes.
Comment: Not observed at significant frequency in large population cohorts (gnomAD); In silico analysis supports that this missense variant does not alter protein structure/function; Has not been previously published as pathogenic or benign to our knowledge